The following is an entry in ClinVar:

NM_001759.4(CCND2):c.649G>A (p.Asp217Asn)

Gene: CCND2 (cyclin D2; plus strand). Cytogenetic location: 12p13.32.
Variant type: single nucleotide variant.
Coding change: c.649G>A on transcript NM_001759.4 (MANE Select); coding-DNA position 649, G replaced by A.
Protein change: p.Asp217Asn; replaces aspartic acid 217 with asparagine.
Molecular consequence: missense variant.
Genome position (GRCh38, 1-based): chr12:4,288,919, G>A. VCF-style: chr12-4288919-G-A. GRCh37 (hg19) VCF-style: chr12-4398085-G-A.
Other names: short protein forms D217N.
Identifiers: ClinVar variation 5040749 (VCV005040749.1).
Genomic context (GRCh38, chr12:4,288,919, plus strand): 5'-TACCCACCGTCGATGATCGCAACTGGAAGTGTGGGAGCAGCCATCTGTGGGCTCCAGCAG[G>A]ATGAGGAAGTGAGCTCGCTCACTTGTGATGCCCTGACTGAGCTGCTGGCTAAGATCACCA-3'
Protein context (NP_001750.1, residues 207-227): VGAAICGLQQ[Asp217Asn]EEVSSLTCDA

ClinVar aggregate classification (germline): Uncertain significance (1 of 4 stars; one submission).

Submission:

CeGaT Center for Human Genetics Tuebingen
Classification: Uncertain significance. Last evaluated: 2026-09-01. Review status: criteria provided, single submitter. Criteria: CeGaT Center For Human Genetics Tuebingen Variant Classification Criteria Version 2. Collection method: clinical testing. Allele origin: germline. Affected: yes. Observed: 1 variant allele.
Comment: CCND2: PM2, PP2, BP4